The following is an entry in ClinVar:

ClinVar aggregate classification (germline): Uncertain significance (1 of 4 stars; one submission).

Conditions:
Baller-Gerold syndrome (BGS). Also called: CRANIOSYNOSTOSIS WITH RADIAL DEFECTS. Identifiers: Orphanet 1225, MedGen C0265308, MONDO:0009039, OMIM 218600.

Allele frequency attached by ClinVar (database versions not stated): gnomAD exomes below 0.00001; ExAC 0.00001; gnomAD 0.00001.
gnomAD v4.1: 3 of 1,612,416 alleles (0.00019%); highest among the groups gnomAD compares: East Asian, 0.0045%; no homozygotes.

Submission:

Labcorp Genetics (formerly Invitae), Labcorp
Classification: Uncertain significance for Baller-Gerold syndrome. Last evaluated: 2025-10-02. Review status: criteria provided, single submitter. Criteria: Invitae Variant Classification Sherloc (09022015). Collection method: clinical testing. Allele origin: germline.
Comment: This sequence change replaces glutamic acid, which is acidic and polar, with glycine, which is neutral and non-polar, at codon 1201 of the RECQL4 protein (p.Glu1201Gly). This variant is present in population databases (rs781313959, gnomAD 0.01%). This variant has not been reported in the literature in individuals affected with RECQL4-related conditions. ClinVar contains an entry for this variant (Variation ID: 528927). Invitae Evidence Modeling of protein sequence and biophysical properties (such as structural, functional, and spatial information, amino acid conservation, physicochemical variation, residue mobility, and thermodynamic stability) has been performed for this missense variant. However, the output from this modeling did not meet the statistical confidence thresholds required to predict the impact of this variant on RECQL4 protein function. In summary, the available evidence is currently insufficient to determine the role of this variant in disease. Therefore, it has been classified as a Variant of Uncertain Significance.

NM_004260.4(RECQL4):c.3602A>G (p.Glu1201Gly)

Gene: RECQL4 (RecQ like helicase 4; minus strand). Cytogenetic location: 8q24.3.
Variant type: single nucleotide variant.
Coding change: c.3602A>G on transcript NM_004260.4 (MANE Select); coding-DNA position 3602, A replaced by G.
Protein change: p.Glu1201Gly; replaces glutamic acid 1201 with glycine.
Molecular consequence: missense variant.
Genome position (GRCh38, 1-based): chr8:144,511,456, T>C on the plus strand (A>G on the coding strand, the complement: RECQL4 is on the minus strand). VCF-style: chr8-144511456-T-C. GRCh37 (hg19) VCF-style: chr8-145736839-T-C.
Other names: short protein forms E1201G.
Identifiers: ClinVar variation 528927 (VCV000528927.8), dbSNP rs781313959, ClinGen allele CA4947627.
Genomic context (GRCh38, chr8:144,511,456, plus strand): 5'-CCCAGCTCTACCCGACATCCCCCAATGCAGTGCAGTCAGCGGGCCACCTGCAGGAGCTCT[T>C]CCGTGGCCAGGCCCACCAGGGCATGGAAGCTCAGGTGCAGGTATTTTCTCCAGAAGCGTC-3'
Protein context (NP_004251.4, residues 1191-1208): SFHALVGLAT[Glu1201Gly]ELLQVAR